The following continues an entry in ClinVar:

NM_002880.4(RAF1):c.770C>T (p.Ser257Leu)

Gene: RAF1. ClinVar aggregate classification (germline): Pathogenic. Pathogenic (1). ClinVar aggregate classification (somatic clinical impact): Tier II - Potential.

Submissions 32 to 51 of 51:

Institute of Human Genetics Munich, TUM University Hospital
Classification: Pathogenic for Noonan syndrome 5. Last evaluated: 2017-11-15. Review status: criteria provided, single submitter. Criteria: Classification criteria August 2017. Collection method: clinical testing. Allele origin: germline. Inheritance: Autosomal dominant inheritance. Affected: yes. Observed: 1 heterozygote. Not counted in ClinVar's aggregate classification.

Eurofins Ntd Llc (ga)
Classification: Pathogenic. Last evaluated: 2016-04-14. Review status: criteria provided, single submitter. Criteria: EGL Classification Definitions 2015. Collection method: clinical testing. Allele origin: germline. Observed: 1 variant allele, 1 heterozygote. Not counted in ClinVar's aggregate classification.

Molecular Diagnostics Lab, Nemours Children's Health, Delaware
Classification: Pathogenic. Last evaluated: 2015-07-21. Review status: criteria provided, single submitter. Criteria: ACMG Guidelines, 2015. Collection method: clinical testing. Allele origin: unknown, de novo. Affected: yes. Observed: 5 variant alleles. Clinical features observed: Ventricular septal defect, Hypertrphic cardiomyopathy, Failure to thrive, Cardiac hypertrophy, Disorders of both mitral and tricuspid valves, Esophageal reflux, Delayed milestones, Nystagmus, Down slanting palpebral fissures, Mild deep palmar and plantar creases, Increased extra axial cerebrospinal fluid, Nasogastric tube as needed, and 10 more. Not counted in ClinVar's aggregate classification.

Laboratory for Molecular Medicine, Mass General Brigham Personalized Medicine
Classification: Pathogenic for Noonan syndrome; Noonan syndrome with multiple lentigines. Last evaluated: 2013-05-23. Review status: criteria provided, single submitter. Criteria: LMM Criteria. Collection method: clinical testing. Allele origin: germline. Inheritance: Autosomal dominant inheritance. Observed: 23 variant alleles. Not counted in ClinVar's aggregate classification.
Comment: The p.Ser257Leu variant has been associated with the clinical features of RASopa thy disorders (Razzaque 2007, Pandit 2007). This variant has been reported to ha ve occurred de novo in sporadic cases. Individuals with pathogenic variants in exon 7 or 17 in RAF1 have a high incidence of hypertrophic cardiomyopathy (80-95 %, Razzaque 2007, Pandit 2007). In summary, this variant meets criteria to be cl assified as pathogenic for RASopathy disorders in an autosomal dominant manner b ased upon published literature and de novo occurrence in affected individuals.

Centre for Human Genetics
Classification: Likely pathogenic for Noonan syndrome 1. Review status: criteria provided, single submitter. Criteria: ACMG Guidelines, 2015. Collection method: clinical testing. Allele origin: de novo. Inheritance: Autosomal dominant inheritance. Affected: yes. Observed: 1 variant allele. Not counted in ClinVar's aggregate classification.
Comment: The RAF1 c.770C>T (p.Ser257Leu) variant has been reported in multiple individuals diagnosed with Noonan syndrome (Razzaque 2007, Pandit 2007, Kobayashi 2010, Zarate 2014, Hopper 2015) or LEOPARD syndrome (Pandit 2007, Carcavilla 2013). The variant is reported as pathogenic in ClinVar by multiple sources (Variation ID: 13957).

Institute for Genomic Statistics and Bioinformatics, University Hospital Bonn
Classification: Pathogenic for Noonan syndrome 1. Review status: criteria provided, single submitter. Criteria: ACMG Guidelines, 2015. Collection method: clinical testing. Allele origin: unknown. Affected: yes. Observed: 1 variant allele. Not counted in ClinVar's aggregate classification.

Juno Genomics, Hangzhou Juno Genomics, Inc
Classification: Pathogenic for Dilated cardiomyopathy 1NN; LEOPARD syndrome 2; Noonan syndrome 5. Review status: criteria provided, single submitter. Criteria: ACMG Guidelines, 2015. Collection method: clinical testing. Allele origin: germline. Affected: yes. Not counted in ClinVar's aggregate classification.
Comment: The prevalence of the variant in affected individuals is significantly increased compared to the prevalence in controls.;De novo (both maternity and paternity confirmed) in a patient with the disease and no family history.;Well-established in vitro or in vivo functional studies supportive of a damaging effect on the gene or gene product.;Located in a mutational hot spot and/or critical and well-established functional domain (e.g. active site of an enzyme) without benign variation.;Absent from controls (or at extremely low frequency if recessive) in Genome Aggregation Database, Exome Sequencing Project, 1000 Genomes Project, or Exome Aggregation Consortium.

Neuberg Centre For Genomic Medicine, NCGM
Classification: Pathogenic for Noonan syndrome 5. Review status: criteria provided, single submitter. Criteria: ACMG Guidelines, 2015. Collection method: clinical testing. Allele origin: germline. Inheritance: Autosomal dominant inheritance. Affected: yes. Not counted in ClinVar's aggregate classification.
Comment: The missense variant c.770C>T (p.Ser257Leu) in RAF1 gene has been reported in heterozygous state in many individuals affected with Noonan syndrome, both with and without multiple lentigines (Kobayashi T et al., 2010). Experimental studies have shown that this missense change leads to increased activation of MEK, ERK, and ELK in vitro (Razzaque et al., 2007). The p.Ser257Leu variant is novel (not in any individuals) in gnomAD Exomes and 1000 Genomes. This variant has been reported to the ClinVar database as Pathogenic. The amino acid Ser at position 257 is changed to a Leu changing protein sequence and it might alter its composition and physico-chemical properties. The amino acid change p.Ser257Leu in RAF1 is predicted as conserved by GERP++ and PhyloP across 100 vertebrates. The variant is predicted to be probably damaging by PolyPhen 2 and deleterious by SIFT. For these reasons, this variant has been classified as Pathogenic.

Greenwood Genetic Center Diagnostic Laboratories, Greenwood Genetic Center
Classification: Pathogenic for Noonan syndrome 5. Last evaluated: 2025-12-12. Review status: no assertion criteria provided. Collection method: clinical testing. Allele origin: germline. Not counted in ClinVar's aggregate classification.
Comment: PS3, PM1, PM2, PM6_Strong, PP2

Beijing Key Laboratory for Genetic Research of Skeletal Deformity, Peking Union Medical College Hospital
Classification: Pathogenic for Noonan syndrome 5. Last evaluated: 2019-05-31. Review status: no assertion criteria provided. Collection method: research. Allele origin: de novo. Affected: yes. Not counted in ClinVar's aggregate classification.

OMIM
Classification: Pathogenic for NOONAN SYNDROME 5. Last evaluated: 2007-08-01. Review status: no assertion criteria provided. Collection method: literature only. Allele origin: germline. Not counted in ClinVar's aggregate classification.

OMIM
Classification: Pathogenic for LEOPARD SYNDROME 2. Last evaluated: 2007-08-01. Review status: no assertion criteria provided. Collection method: literature only. Allele origin: germline. Not counted in ClinVar's aggregate classification.

Baylor Genetics
Classification: Pathogenic for Rasopathy. Review status: no assertion criteria provided. Collection method: clinical testing. Allele origin: unknown. Affected: yes. Not counted in ClinVar's aggregate classification.
Comment: Variant classified using ACMG guidelines

Clinical Genetics DNA and cytogenetics Diagnostics Lab, Erasmus MC, Erasmus Medical Center
Classification: Pathogenic. Review status: no assertion criteria provided. Collection method: clinical testing. Allele origin: germline. Affected: yes. Study: VKGL Data-share Consensus. Not counted in ClinVar's aggregate classification.

Diagnostic Laboratory, Department of Genetics, University Medical Center Groningen
Classification: Pathogenic. Review status: no assertion criteria provided. Collection method: clinical testing. Allele origin: germline. Affected: yes. Study: VKGL Data-share Consensus. Not counted in ClinVar's aggregate classification.

Division of Human Genetics, National Health Laboratory Service/University of the Witwatersrand
Classification: Pathogenic for Noonan syndrome 1. Review status: no assertion criteria provided. Collection method: research. Allele origin: unknown. Affected: yes. Observed: 1 variant allele. Not counted in ClinVar's aggregate classification.

GeneReviews
No classification provided. Condition: Noonan syndrome with multiple lentigines. Review status: no classification provided. Collection method: literature only. Allele origin: unknown. Not counted in ClinVar's aggregate classification.

Institute of Molecular Pathology and Immunology of the University of Porto (IPATIMUP)
No classification provided. Condition: Noonan syndrome 5. Review status: no classification provided. Collection method: not provided. Allele origin: germline. Not counted in ClinVar's aggregate classification.

Joint Genome Diagnostic Labs from Nijmegen and Maastricht, Radboudumc and MUMC+
Classification: Pathogenic. Review status: no assertion criteria provided. Collection method: clinical testing. Allele origin: germline. Affected: yes. Study: VKGL Data-share Consensus. Not counted in ClinVar's aggregate classification.

Molecular Genetics, Centre for Human Genetics
Classification: Pathogenic for Noonan syndrome 1. Review status: no assertion criteria provided. Collection method: clinical testing. Allele origin: de novo. Inheritance: Autosomal dominant inheritance. Affected: yes. Observed: 3 variant alleles. Not counted in ClinVar's aggregate classification.

Literature cited by the submitters: PubMed 17603482 (cited by 16 submitters); PubMed 25706034 (cited by 7 submitters); PubMed 29493581 (cited by 5 submitters); PubMed 23877478 (cited by 10 submitters); PubMed 22389993 (cited by 6 submitters); PubMed 17603483 (cited by 12 submitters); PubMed 20052757 (cited by 6 submitters); PubMed 26918529 (cited by 3 submitters); PubMed 30384889 (cited by 3 submitters); PubMed 35050212 (cited by Prenatal Diagnosis Unit, University Medical Center at Ho Chi Minh City, University of Medicine and Pharmacy at Ho Chi Minh City and Mayo Clinic Laboratories, Mayo Clinic); PubMed 24775816 (cited by 4 submitters); PubMed 27631234 (cited by Ambry Genetics); PubMed 28973083 (cited by Ambry Genetics and Mayo Clinic Laboratories, Mayo Clinic); PubMed 28991257 (cited by Ambry Genetics and Mayo Clinic Laboratories, Mayo Clinic); PubMed 29084544 (cited by 4 submitters); PubMed 30105547 (cited by Ambry Genetics and Mayo Clinic Laboratories, Mayo Clinic); PubMed 30138938 (cited by Ambry Genetics and Mayo Clinic Laboratories, Mayo Clinic); PubMed 31560489 (cited by Ambry Genetics and Mayo Clinic Laboratories, Mayo Clinic); PubMed 32573669 (cited by 3 submitters); PubMed 33240318 (cited by 3 submitters); PubMed 27273450 (cited by Institute for Genomic Medicine (IGM) Clinical Laboratory, Nationwide Children's Hospital); PubMed 16266992 (cited by Institute for Genomic Medicine (IGM) Clinical Laboratory, Nationwide Children's Hospital); PubMed 26619011 (cited by Institute for Genomic Medicine (IGM) Clinical Laboratory, Nationwide Children's Hospital); PubMed 24803665 (cited by Mayo Clinic Laboratories, Mayo Clinic); PubMed 28777121 (cited by Mayo Clinic Laboratories, Mayo Clinic); PubMed 29907801 (cited by Mayo Clinic Laboratories, Mayo Clinic); PubMed 30055033 (cited by Mayo Clinic Laboratories, Mayo Clinic); PubMed 30417923 (cited by Mayo Clinic Laboratories, Mayo Clinic); PubMed 30732632 (cited by Mayo Clinic Laboratories, Mayo Clinic); PubMed 31324109 (cited by Mayo Clinic Laboratories, Mayo Clinic); PubMed 31395954 (cited by Mayo Clinic Laboratories, Mayo Clinic); PubMed 32410215 (cited by Mayo Clinic Laboratories, Mayo Clinic); PubMed 32506814 (cited by Mayo Clinic Laboratories, Mayo Clinic and Medical Genetics Center, Maternal and Child Health Hospital of Hubei Province); PubMed 32668055 (cited by Mayo Clinic Laboratories, Mayo Clinic and Medical Genetics Center, Maternal and Child Health Hospital of Hubei Province); PubMed 32981126 (cited by Mayo Clinic Laboratories, Mayo Clinic and Medical Genetics Center, Maternal and Child Health Hospital of Hubei Province); PubMed 33318624 (cited by Mayo Clinic Laboratories, Mayo Clinic); PubMed 33673806 (cited by Mayo Clinic Laboratories, Mayo Clinic); PubMed 34006472 (cited by Mayo Clinic Laboratories, Mayo Clinic); PubMed 34136434 (cited by Mayo Clinic Laboratories, Mayo Clinic); PubMed 19953625 (cited by Women's Health and Genetics/Laboratory Corporation of America, LabCorp); PubMed 19568997 (cited by Women's Health and Genetics/Laboratory Corporation of America, LabCorp); PubMed 21784453 (cited by Women's Health and Genetics/Laboratory Corporation of America, LabCorp); PubMed 10064593 (cited by Women's Health and Genetics/Laboratory Corporation of America, LabCorp); PubMed 23312806 (cited by Women's Health and Genetics/Laboratory Corporation of America, LabCorp and Baylor Genetics); PubMed 23321623 (cited by Women's Health and Genetics/Laboratory Corporation of America, LabCorp); PubMed 21440552 (cited by Women's Health and Genetics/Laboratory Corporation of America, LabCorp); PubMed 20301557 (cited by GeneReviews); NCBI Bookshelf NBK1383 (cited by GeneReviews).